The following is an entry in ClinVar:

ClinVar aggregate classification (germline): Conflicting classifications of pathogenicity. Review status: criteria provided, conflicting classifications (1 of 4 stars). 4 submissions from 4 submitters: Uncertain significance (2); Benign (1); Likely benign (1). Last evaluated 2025-10-24.

Conditions:
RAI1-related disorder. Also called: RAI1-related condition.
Inborn genetic diseases. Identifiers: MedGen C0950123, MeSH D030342.

Allele frequency attached by ClinVar (database versions not stated): ExAC 0.00001; gnomAD 0.00001; gnomAD exomes 0.00001 and 0.00003; TOPMed 0.00002.
gnomAD v4.1: 45 of 1,613,138 alleles (0.0028%); highest among the groups gnomAD compares: Non-Finnish European, 0.0037%; no homozygotes.

Submissions (4):

Labcorp Genetics (formerly Invitae), Labcorp
Classification: Benign. Last evaluated: 2025-10-24. Review status: criteria provided, single submitter. Criteria: Invitae Variant Classification Sherloc (09022015). Collection method: clinical testing. Allele origin: germline.

Women's Health and Genetics/Laboratory Corporation of America, LabCorp
Classification: Likely benign. Last evaluated: 2024-11-20. Review status: criteria provided, single submitter. Criteria: LabCorp Variant Classification Summary - May 2015. Collection method: clinical testing. Allele origin: germline.
Comment: Variant summary: RAI1 c.2692A>G (p.Ile898Val) results in a conservative amino acid change in the encoded protein sequence. Five of five in-silico tools predict a benign effect of the variant on protein function. The variant allele was found at a frequency of 2.8e-05 in 1613138 control chromosomes, predominantly at a frequency of 3.7e-05 (44 heterozygous individuals) within the Non-Finnish European subpopulation in the gnomAD database. To our knowledge, no occurrence of c.2692A>G in individuals affected with Smith-Magenis Syndrome and no experimental evidence demonstrating its impact on protein function have been reported. ClinVar contains an entry for this variant (Variation ID: 1380465). Based on the evidence outlined above, the variant was classified as likely benign.

PreventionGenetics, part of Exact Sciences
Classification: Uncertain significance for RAI1-related condition. Last evaluated: 2023-05-04. Review status: criteria provided, single submitter. Criteria: ACMG Guidelines, 2015. Collection method: clinical testing. Allele origin: germline.
Comment: The RAI1 c.2692A>G variant is predicted to result in the amino acid substitution p.Ile898Val. To our knowledge, this variant has not been reported in the literature. This variant is reported in 0.0062% of alleles in individuals of African descent in gnomAD. At this time, the clinical significance of this variant is uncertain due to the absence of conclusive functional and genetic evidence.

Ambry Genetics
Classification: Uncertain significance for Inborn genetic diseases. Last evaluated: 2017-06-29. Review status: criteria provided, single submitter. Criteria: Ambry Variant Classification Scheme 2023. Collection method: clinical testing. Allele origin: germline.
Comment: The p.I898V variant (also known as c.2692A>G), located in coding exon 1 of the RAI1 gene, results from an A to G substitution at nucleotide position 2692. The isoleucine at codon 898 is replaced by valine, an amino acid with highly similar properties. This amino acid position is not well conserved in available vertebrate species. In addition, this alteration is predicted to be tolerated by in silico analysis. Since supporting evidence is limited at this time, the clinical significance of this alteration remains unclear.

NM_030665.4(RAI1):c.2692A>G (p.Ile898Val)

Gene: RAI1 (retinoic acid induced 1; plus strand). Cytogenetic location: 17p11.2.
Variant type: single nucleotide variant.
Coding change: c.2692A>G on transcript NM_030665.4 (MANE Select); coding-DNA position 2692, A replaced by G.
Protein change: p.Ile898Val; replaces isoleucine 898 with valine.
Molecular consequence: missense variant.
Genome position (GRCh38, 1-based): chr17:17,795,640, A>G. VCF-style: chr17-17795640-A-G. GRCh37 (hg19) VCF-style: chr17-17698954-A-G.
Other names: short protein forms I898V.
Identifiers: ClinVar variation 1380465 (VCV001380465.9), dbSNP rs200306885, ClinGen allele CA8418584.
Genomic context (GRCh38, chr17:17,795,640, plus strand): 5'-CTGGGCAGCCCCGAGCAGAGGCCTGGCATGCAGGACCCGCTGTCACCCAAGGCCCCACTC[A>G]TCTGCACCAAGGAGGAGGTGGAGGAGGTGCTGGACTCCAAGGCCGGCTGGGGCTCTCCGT-3'
Protein context (NP_109590.3, residues 888-908): QDPLSPKAPL[Ile898Val]CTKEEVEEVL